The following is an entry in ClinVar:

ClinVar aggregate classification (germline): Likely pathogenic. Review status: criteria provided, multiple submitters, no conflicts (2 of 4 stars). 4 submissions from 4 submitters: Likely pathogenic (4). Last evaluated 2025-10-24.

Conditions:
ALG6-congenital disorder of glycosylation 1C (CDG1C). Also called: CARBOHYDRATE-DEFICIENT GLYCOPROTEIN SYNDROME, TYPE V; Congenital disorder of glycosylation type 1C; CDG Ic; CARBOHYDRATE-DEFICIENT GLYCOPROTEIN SYNDROME, TYPE I, WITH DEFICIENT GLYCOSYLATION OF DOLICHOL-LINKED OLIGOSACCHARIDE; Congenital disorder of glycosylation, type Ic. Identifiers: Orphanet 79320, MedGen C2930997, MONDO:0011291, OMIM 603147.

Allele frequency attached by ClinVar (database versions not stated): gnomAD exomes below 0.00001; ExAC 0.00001; TOPMed 0.00001; gnomAD 0.00002.

Submissions (4):

Natera, Inc.
Classification: Likely pathogenic for Congenital disorder of glycosylation type 1c. Last evaluated: 2025-10-24. Review status: criteria provided, single submitter. Criteria: Natera Variant Classification Schema (03/2026). Collection method: clinical testing. Allele origin: germline.
Comment: The c.337C>T variant in ALG6 is a missense variant predicted to cause substitution of arginine to cysteine at amino acid 113. This variant is rare in the general population with a frequency below the threshold expected for the associated phenotype(s). This variant has been observed in one or more individuals affected with the associated recessive disease, as either homozygous or compound heterozygous with a second variant (PMID: 39141102). A different variant at the same position has been determined to be Pathogenic or Likely Pathogenic. Computational prediction algorithms indicate this variant is likely to affect gene or protein function. Given the available evidence, this variant is classified as Likely Pathogenic.

Women's Health and Genetics/Laboratory Corporation of America, LabCorp
Classification: Likely pathogenic for ALG6-congenital disorder of glycosylation 1C. Last evaluated: 2025-08-22. Review status: criteria provided, single submitter. Criteria: LabCorp Variant Classification Summary - May 2015. Collection method: clinical testing. Allele origin: germline.
Comment: Variant summary: ALG6 c.337C>T (p.Arg113Cys) results in a non-conservative amino acid change in the encoded protein sequence. Algorithms developed to predict the effect of missense changes on protein structure and function all suggest that this variant is likely to be disruptive. The variant allele was found at a frequency of 4e-06 in 250936 control chromosomes (gnomAD). c.337C>T has been reported in the literature as a compound heterozygous genotype in at-least two individuals affected with Congenital Disorder Of Glycosylation Type 1C (example: van den Boogert_2019, Li_2025). To our knowledge, no experimental evidence demonstrating an impact on protein function has been reported. At-least one additional variant at this codon (c.338G>A, p.Arg113His) has been reported in association with Congenital Disorder Of Glycosylation Type 1, supporting the critical relevance of this Arginine residue to ALG6 protein function. The following publications have been ascertained in the context of this evaluation (PMID: 39141102, 27287710, 31117816). ClinVar contains an entry for this variant (Variation ID: 1066153). Based on the evidence outlined above, the variant was classified as likely pathogenic.

Fulgent Genetics
Classification: Likely pathogenic for ALG6-congenital disorder of glycosylation 1C. Last evaluated: 2024-04-25. Review status: criteria provided, single submitter. Criteria: ACMG Guidelines, 2015. Collection method: clinical testing. Allele origin: germline.

Labcorp Genetics (formerly Invitae), Labcorp
Classification: Likely pathogenic for ALG6-congenital disorder of glycosylation 1C. Last evaluated: 2023-08-23. Review status: criteria provided, single submitter. Criteria: Invitae Variant Classification Sherloc (09022015). Collection method: clinical testing. Allele origin: germline.
Comment: In summary, the currently available evidence indicates that the variant is pathogenic, but additional data are needed to prove that conclusively. Therefore, this variant has been classified as Likely Pathogenic. This variant disrupts the p.Arg113 amino acid residue in ALG6. Other variant(s) that disrupt this residue have been determined to be pathogenic (PMID: 16321363). This suggests that this residue is clinically significant, and that variants that disrupt this residue are likely to be disease-causing. Advanced modeling of protein sequence and biophysical properties (such as structural, functional, and spatial information, amino acid conservation, physicochemical variation, residue mobility, and thermodynamic stability) performed at Invitae indicates that this missense variant is expected to disrupt ALG6 protein function. ClinVar contains an entry for this variant (Variation ID: 1066153). This missense change has been observed in individual(s) with a congenital disorder of glycosylation (PMID: 31117816). This variant is present in population databases (rs754672490, gnomAD 0.008%). This sequence change replaces arginine, which is basic and polar, with cysteine, which is neutral and slightly polar, at codon 113 of the ALG6 protein (p.Arg113Cys).

Literature cited by the submitters: PubMed 39141102 (cited by Natera, Inc. and Women's Health and Genetics/Laboratory Corporation of America, LabCorp); PubMed 27287710 (cited by Women's Health and Genetics/Laboratory Corporation of America, LabCorp); PubMed 31117816 (cited by Women's Health and Genetics/Laboratory Corporation of America, LabCorp and Labcorp Genetics (formerly Invitae), Labcorp); PubMed 16321363 (cited by Labcorp Genetics (formerly Invitae), Labcorp).

NM_013339.4(ALG6):c.337C>T (p.Arg113Cys)

Gene: ALG6 (ALG6 alpha-1,3-glucosyltransferase; plus strand). Cytogenetic location: 1p31.3.
Variant type: single nucleotide variant.
Coding change: c.337C>T on transcript NM_013339.4 (MANE Select); coding-DNA position 337, C replaced by T.
Protein change: p.Arg113Cys; replaces arginine 113 with cysteine.
Molecular consequence: missense variant.
Genome position (GRCh38, 1-based): chr1:63,404,532, C>T. VCF-style: chr1-63404532-C-T. GRCh37 (hg19) VCF-style: chr1-63870203-C-T.
Other names: c.337C>T (NM_013339.3); short protein forms R113C.
Identifiers: ClinVar variation 1066153 (VCV001066153.15), dbSNP rs754672490, ClinGen allele CA888135.